The following is an entry in ClinVar:

ClinVar aggregate classification (germline): Uncertain significance (1 of 4 stars; one submission).

Submission:

Labcorp Genetics (formerly Invitae), Labcorp
Classification: Uncertain significance. Last evaluated: 2025-06-18. Review status: criteria provided, single submitter. Criteria: Invitae Variant Classification Sherloc (09022015). Collection method: clinical testing. Allele origin: germline.
Comment: This sequence change replaces serine, which is neutral and polar, with glycine, which is neutral and non-polar, at codon 228 of the APOA1 protein (p.Ser228Gly). This variant is not present in population databases (gnomAD no frequency). This variant has not been reported in the literature in individuals affected with APOA1-related conditions. Invitae Evidence Modeling of protein sequence and biophysical properties (such as structural, functional, and spatial information, amino acid conservation, physicochemical variation, residue mobility, and thermodynamic stability) indicates that this missense variant is not expected to disrupt APOA1 protein function with a negative predictive value of 95%. In summary, the available evidence is currently insufficient to determine the role of this variant in disease. Therefore, it has been classified as a Variant of Uncertain Significance.

NM_000039.3(APOA1):c.682A>G (p.Ser228Gly)

Gene: APOA1 (apolipoprotein A1; minus strand). Cytogenetic location: 11q23.3.
Variant type: single nucleotide variant.
Coding change: c.682A>G on transcript NM_000039.3 (MANE Select); coding-DNA position 682, A replaced by G.
Protein change: p.Ser228Gly; replaces serine 228 with glycine.
Molecular consequence: missense variant.
Genome position (GRCh38, 1-based): chr11:116,835,930, T>C on the plus strand (A>G on the coding strand, the complement: APOA1 is on the minus strand). VCF-style: chr11-116835930-T-C. GRCh37 (hg19) VCF-style: chr11-116706646-T-C.
Other names: c.682A>G, p.Ser228Gly (NM_001318017.2, NM_001318018.2, NM_001425090.1); c.355A>G, p.Ser119Gly (NM_001318021.2, NM_001425091.1, NM_001425092.1); c.637A>G, p.Ser213Gly (NM_001425093.1); short protein forms S213G, S228G, S119G.
Identifiers: ClinVar variation 4709844 (VCV004709844.1).